The following is an entry in ClinVar:

ClinVar aggregate classification (germline): Uncertain significance. Review status: criteria provided, single submitter (1 of 4 stars). 2 submissions from 2 submitters: Uncertain significance (1). 1 of the submissions does not count toward it. Last evaluated 2024-08-22.

Conditions:
TRMT1-related disorder. Also called: TRMT1-related condition.

Allele frequency attached by ClinVar (database versions not stated): 1000 Genomes Project 0.00080; ExAC 0.00099; 1000 Genomes Project 30x 0.00109; gnomAD 0.00120; TOPMed 0.00142; gnomAD exomes 0.00180; ESP Exome Variant Server 0.00215.
gnomAD v4.1: 2,809 of 1,614,110 alleles (0.17%); highest among the groups gnomAD compares: Non-Finnish European, 0.22%; 2 homozygotes.

Submissions (2):

GeneDx
Classification: Uncertain significance. Last evaluated: 2024-08-22. Review status: criteria provided, single submitter. Criteria: GeneDx Variant Classification Process June 2021. Collection method: clinical testing. Allele origin: germline. Affected: yes.
Comment: In silico analysis supports that this missense variant has a deleterious effect on protein structure/function; Has not been previously published as pathogenic or benign to our knowledge

PreventionGenetics, part of Exact Sciences
Classification: Likely benign for TRMT1-related condition. Last evaluated: 2022-07-11. Review status: no assertion criteria provided. Collection method: clinical testing. Allele origin: germline. Not counted in ClinVar's aggregate classification.
Comment: This variant is classified as likely benign based on ACMG/AMP sequence variant interpretation guidelines (Richards et al. 2015 PMID: 25741868, with internal and published modifications).

NM_001136035.4(TRMT1):c.209A>G (p.Asn70Ser)

Gene: TRMT1 (tRNA methyltransferase 1; minus strand). Cytogenetic location: 19p13.13.
Variant type: single nucleotide variant.
Coding change: c.209A>G on transcript NM_001136035.4 (MANE Select); coding-DNA position 209, A replaced by G.
Protein change: p.Asn70Ser; replaces asparagine 70 with serine.
Molecular consequence: missense variant. On other transcripts: 5 prime UTR variant (1).
Genome position (GRCh38, 1-based): chr19:13,116,191, T>C on the plus strand (A>G on the coding strand, the complement: TRMT1 is on the minus strand). VCF-style: chr19-13116191-T-C. GRCh37 (hg19) VCF-style: chr19-13227005-T-C.
Other names: c.209A>G, p.Asn70Ser (NM_001142554.3, NM_001351760.2, NM_017722.5); c.101A>G, p.Asn34Ser (NM_001351761.2); c.-655A>G (NM_001351762.2); short protein forms N34S, N70S.
Identifiers: ClinVar variation 3043385 (VCV003043385.3), dbSNP rs139000025, ClinGen allele CA9238138.